The following is an entry in ClinVar:

ClinVar aggregate classification (germline): Uncertain significance (1 of 4 stars; one submission).

Conditions:
RYR1-related disorder. Also called: RYR1-related condition; RYR1-related disorders. Identifiers: MedGen CN239331.

Submission:

Labcorp Genetics (formerly Invitae), Labcorp
Classification: Uncertain significance for RYR1-related disorder. Last evaluated: 2025-07-09. Review status: criteria provided, single submitter. Criteria: Invitae Variant Classification Sherloc (09022015). Collection method: clinical testing. Allele origin: germline.
Comment: This sequence change replaces glutamic acid, which is acidic and polar, with aspartic acid, which is acidic and polar, at codon 4496 of the RYR1 protein (p.Glu4496Asp). This variant is not present in population databases (gnomAD no frequency). This variant has not been reported in the literature in individuals affected with RYR1-related conditions. Invitae Evidence Modeling of protein sequence and biophysical properties (such as structural, functional, and spatial information, amino acid conservation, physicochemical variation, residue mobility, and thermodynamic stability) indicates that this missense variant is not expected to disrupt RYR1 protein function with a negative predictive value of 80%. In summary, the available evidence is currently insufficient to determine the role of this variant in disease. Therefore, it has been classified as a Variant of Uncertain Significance.

NM_000540.3(RYR1):c.13488A>T (p.Glu4496Asp)

Gene: RYR1 (ryanodine receptor 1; plus strand). Cytogenetic location: 19q13.2.
Variant type: single nucleotide variant.
Coding change: c.13488A>T on transcript NM_000540.3 (MANE Select); coding-DNA position 13488, A replaced by T.
Protein change: p.Glu4496Asp; replaces glutamic acid 4496 with aspartic acid.
Molecular consequence: missense variant.
Genome position (GRCh38, 1-based): chr19:38,566,961, A>T. VCF-style: chr19-38566961-A-T. GRCh37 (hg19) VCF-style: chr19-39057601-A-T.
Other names: c.13473A>T, p.Glu4491Asp (NM_001042723.2); short protein forms E4491D, E4496D.
Identifiers: ClinVar variation 4703544 (VCV004703544.1).
Genomic context (GRCh38, chr19:38,566,961, plus strand): 5'-CTGTCCCTAGGTGGATGGAGTGGAGGAGGAGCTCCCGCCAGAGCCAGAGCCCGAGCCGGA[A>T]CCAGAGCTGGAGCCGGAGAAAGCCGAGTGAGTGGCCTTGGGGCTGAGGGGCCTAGCCCCT-3'
Protein context (NP_000531.2, residues 4486-4506): ELPPEPEPEP[Glu4496Asp]PELEPEKADA